The following is an entry in ClinVar:

ClinVar aggregate classification (germline): Uncertain significance (1 of 4 stars; one submission).

Conditions:
Inborn genetic diseases. Identifiers: MedGen C0950123, MeSH D030342.

Submission:

Ambry Genetics
Classification: Uncertain significance for Inborn genetic diseases. Last evaluated: 2024-04-28. Review status: criteria provided, single submitter. Criteria: Ambry Variant Classification Scheme 2023. Collection method: clinical testing. Allele origin: germline.
Comment: The p.F1511L variant (also known as c.4531T>C), located in coding exon 26 of the ATR gene, results from a T to C substitution at nucleotide position 4531. The phenylalanine at codon 1511 is replaced by leucine, an amino acid with highly similar properties. This amino acid position is conserved. In addition, the in silico prediction for this alteration is inconclusive. Based on the available evidence, the clinical significance of this variant remains unclear.

NM_001184.4(ATR):c.4531T>C (p.Phe1511Leu)

Gene: ATR (ATR serine/threonine kinase; minus strand). Cytogenetic location: 3q23.
Variant type: single nucleotide variant.
Coding change: c.4531T>C on transcript NM_001184.4 (MANE Select); coding-DNA position 4531, T replaced by C.
Protein change: p.Phe1511Leu; replaces phenylalanine 1511 with leucine.
Molecular consequence: missense variant.
Genome position (GRCh38, 1-based): chr3:142,513,611, A>G on the plus strand (T>C on the coding strand, the complement: ATR is on the minus strand). VCF-style: chr3-142513611-A-G. GRCh37 (hg19) VCF-style: chr3-142232453-A-G.
Other names: c.4339T>C, p.Phe1447Leu (NM_001354579.2); short protein forms F1511L, F1447L.
Identifiers: ClinVar variation 3331756 (VCV003331756.1).